The following is an entry in ClinVar:

NM_001851.6(COL9A1):c.2623G>C (p.Gly875Arg)

Gene: COL9A1 (collagen type IX alpha 1 chain; minus strand). Cytogenetic location: 6q13.
Variant type: single nucleotide variant.
Coding change: c.2623G>C on transcript NM_001851.6 (MANE Select); coding-DNA position 2623, G replaced by C.
Protein change: p.Gly875Arg; replaces glycine 875 with arginine.
Molecular consequence: missense variant. On other transcripts: non-coding transcript variant (1).
Genome position (GRCh38, 1-based): chr6:70,217,040, C>G on the plus strand (G>C on the coding strand, the complement: COL9A1 is on the minus strand). VCF-style: chr6-70217040-C-G. GRCh37 (hg19) VCF-style: chr6-70926743-C-G.
Other names: c.1924G>C, p.Gly642Arg (NM_001377289.1); c.1747G>C, p.Gly583Arg (NM_001377290.1); c.1894G>C, p.Gly632Arg (NM_078485.4); short protein forms G632R, G875R, G583R, G642R.
Identifiers: ClinVar variation 2118772 (VCV002118772.4), dbSNP rs199581593, ClinGen allele CA364668070.

ClinVar aggregate classification (germline): Uncertain significance (1 of 4 stars; one submission).

Submission:

Labcorp Genetics (formerly Invitae), Labcorp
Classification: Uncertain significance. Last evaluated: 2022-03-29. Review status: criteria provided, single submitter. Criteria: Invitae Variant Classification Sherloc (09022015). Collection method: clinical testing. Allele origin: germline.
Comment: In summary, the available evidence is currently insufficient to determine the role of this variant in disease. Therefore, it has been classified as a Variant of Uncertain Significance. Advanced modeling of protein sequence and biophysical properties (such as structural, functional, and spatial information, amino acid conservation, physicochemical variation, residue mobility, and thermodynamic stability) performed at Invitae indicates that this missense variant is expected to disrupt COL9A1 protein function. This variant has not been reported in the literature in individuals affected with COL9A1-related conditions. This variant is not present in population databases (gnomAD no frequency). This sequence change replaces glycine, which is neutral and non-polar, with arginine, which is basic and polar, at codon 875 of the COL9A1 protein (p.Gly875Arg).